The following is an entry in ClinVar:

NM_001009944.3(PKD1):c.8537C>T (p.Thr2846Ile)

Gene: PKD1 (polycystin 1, transient receptor potential channel interacting; minus strand). Cytogenetic location: 16p13.3.
Variant type: single nucleotide variant.
Coding change: c.8537C>T on transcript NM_001009944.3 (MANE Select); coding-DNA position 8537, C replaced by T.
Protein change: p.Thr2846Ile; replaces threonine 2846 with isoleucine.
Molecular consequence: missense variant.
Genome position (GRCh38, 1-based): chr16:2,103,520, G>A on the plus strand (C>T on the coding strand, the complement: PKD1 is on the minus strand). VCF-style: chr16-2103520-G-A. GRCh37 (hg19) VCF-style: chr16-2153521-G-A.
Other names: c.8537C>T, p.Thr2846Ile (NM_000296.4); short protein forms T2846I.
Identifiers: ClinVar variation 4848040 (VCV004848040.1).

ClinVar aggregate classification (germline): Uncertain significance (1 of 4 stars; one submission).

Submission:

Women's Health and Genetics/Laboratory Corporation of America, LabCorp
Classification: Uncertain significance. Last evaluated: 2026-02-04. Review status: criteria provided, single submitter. Criteria: LabCorp Variant Classification Summary - May 2015. Collection method: clinical testing. Allele origin: germline.
Comment: Variant summary: PKD1 c.8537C>T (p.Thr2846Ile) results in a non-conservative amino acid change in the encoded protein sequence. Algorithms developed to predict the effect of missense changes on protein structure and function are either unavailable or do not agree on the potential impact of this missense change. The variant was absent in 241878 control chromosomes (gnomAD). The available data on variant occurrences in the general population are insufficient to allow any conclusion about variant significance. c.8537C>T has been observed in two individuals affected with Polycystic Kidney Disease 1 (Cornec-Le Gall_2013). These data indicate that the variant may be associated with disease. To our knowledge, no experimental evidence demonstrating an impact on protein function has been reported. The following publication has been ascertained in the context of this evaluation (PMID: 23431072). No submitters have cited clinical-significance assessments for this variant to ClinVar. Based on the evidence outlined above, the variant was classified as VUS-possibly pathogenic.

Literature cited by the submitters: PubMed 23431072.